The following is an entry in ClinVar:

ClinVar aggregate classification (germline): Uncertain significance (1 of 4 stars; one submission).

Conditions:
Familial hemophagocytic lymphohistiocytosis 2 (FHL2). Also called: PRF1-Related Familial Hemophagocytic Lymphohistiocytosis (PRF1-fHLH). Identifiers: Orphanet 540, MedGen C1863727, MONDO:0011337, OMIM 603553.

Allele frequency attached by ClinVar (database versions not stated): gnomAD exomes 0.00001 and 0.00002; ExAC 0.00003.

Submission:

Labcorp Genetics (formerly Invitae), Labcorp
Classification: Uncertain significance for Familial hemophagocytic lymphohistiocytosis 2. Last evaluated: 2021-09-01. Review status: criteria provided, single submitter. Criteria: Invitae Variant Classification Sherloc (09022015). Collection method: clinical testing. Allele origin: germline.
Comment: This sequence change replaces threonine with serine at codon 208 of the PRF1 protein (p.Thr208Ser). The threonine residue is highly conserved and there is a small physicochemical difference between threonine and serine. This variant is present in population databases (rs769116034, ExAC 0.02%). This variant has not been reported in the literature in individuals affected with PRF1-related conditions. Algorithms developed to predict the effect of missense changes on protein structure and function output the following: SIFT: "Tolerated"; PolyPhen-2: "Benign"; Align-GVGD: "Class C0". The serine amino acid residue is found in multiple mammalian species, which suggests that this missense change does not adversely affect protein function. In summary, the available evidence is currently insufficient to determine the role of this variant in disease. Therefore, it has been classified as a Variant of Uncertain Significance.

NM_001083116.3(PRF1):c.622A>T (p.Thr208Ser)

Gene: PRF1 (perforin 1; minus strand). Cytogenetic location: 10q22.1.
Variant type: single nucleotide variant.
Coding change: c.622A>T on transcript NM_001083116.3 (MANE Select); coding-DNA position 622, A replaced by T.
Protein change: p.Thr208Ser; replaces threonine 208 with serine.
Molecular consequence: missense variant.
Genome position (GRCh38, 1-based): chr10:70,599,099, T>A on the plus strand (A>T on the coding strand, the complement: PRF1 is on the minus strand). VCF-style: chr10-70599099-T-A. GRCh37 (hg19) VCF-style: chr10-72358855-T-A.
Other names: c.622A>T, p.Thr208Ser (NM_005041.6); short protein forms T208S.
Identifiers: ClinVar variation 1521095 (VCV001521095.5), dbSNP rs769116034, ClinGen allele CA5538960.